The following is an entry in ClinVar:

ClinVar aggregate classification (germline): Uncertain significance (1 of 4 stars; one submission).

Allele frequency attached by ClinVar (database versions not stated): ExAC 0.00001; gnomAD exomes below 0.00001.

Submission:

Labcorp Genetics (formerly Invitae), Labcorp
Classification: Uncertain significance. Last evaluated: 2025-10-06. Review status: criteria provided, single submitter. Criteria: Invitae Variant Classification Sherloc (09022015). Collection method: clinical testing. Allele origin: germline.
Comment: This sequence change replaces histidine, which is basic and polar, with arginine, which is basic and polar, at codon 309 of the RFWD3 protein (p.His309Arg). This variant is present in population databases (rs763417863, gnomAD 0.006%). This variant has not been reported in the literature in individuals affected with RFWD3-related conditions. ClinVar contains an entry for this variant (Variation ID: 2114064). An algorithm developed to predict the effect of missense changes on protein structure and function (PolyPhen-2) suggests that this variant is likely to be disruptive. In summary, the available evidence is currently insufficient to determine the role of this variant in disease. Therefore, it has been classified as a Variant of Uncertain Significance.

NM_018124.4(RFWD3):c.926A>G (p.His309Arg)

Gene: RFWD3 (ring finger and WD repeat domain 3; minus strand). Cytogenetic location: 16q23.1.
Variant type: single nucleotide variant.
Coding change: c.926A>G on transcript NM_018124.4 (MANE Select); coding-DNA position 926, A replaced by G.
Protein change: p.His309Arg; replaces histidine 309 with arginine.
Molecular consequence: missense variant.
Genome position (GRCh38, 1-based): chr16:74,644,602, T>C on the plus strand (A>G on the coding strand, the complement: RFWD3 is on the minus strand). VCF-style: chr16-74644602-T-C. GRCh37 (hg19) VCF-style: chr16-74678500-T-C.
Other names: c.926A>G, p.His309Arg (NM_001370534.1, NM_001370535.1, NM_001370536.1); c.92A>G, p.His31Arg (NM_001370537.1, NM_001370539.1, NM_001370540.1 and 3 more transcripts); short protein forms H309R, H31R.
Identifiers: ClinVar variation 2114064 (VCV002114064.4), dbSNP rs763417863, ClinGen allele CA8169393.